The following is an entry in ClinVar:

NM_002529.4(NTRK1):c.926C>T (p.Pro309Leu)

Gene: NTRK1 (neurotrophic receptor tyrosine kinase 1; plus strand). Cytogenetic location: 1q23.1.
Variant type: single nucleotide variant.
Coding change: c.926C>T on transcript NM_002529.4 (MANE Select); coding-DNA position 926, C replaced by T.
Protein change: p.Pro309Leu; replaces proline 309 with leucine.
Molecular consequence: missense variant.
Genome position (GRCh38, 1-based): chr1:156,873,708, C>T. VCF-style: chr1-156873708-C-T. GRCh37 (hg19) VCF-style: chr1-156843500-C-T.
Other names: c.836C>T, p.Pro279Leu (NM_001007792.1); c.926C>T, p.Pro309Leu (NM_001012331.2); short protein forms P279L, P309L.
Identifiers: ClinVar variation 526728 (VCV000526728.9), dbSNP rs1300360657, ClinGen allele CA342935750.
Genomic context (GRCh38, chr1:156,873,708, plus strand): 5'-AGCTGCACACGGCGGTGGAGATGCACCACTGGTGCATCCCCTTCTCTGTGGATGGGCAGC[C>T]GGCACCGTCTCTGCGCTGGCTCTTCAATGGCTCCGTGCTCAATGAGACCAGCTTCATCTT-3'
Protein context (NP_002520.2, residues 299-319): WCIPFSVDGQ[Pro309Leu]APSLRWLFNG

ClinVar aggregate classification (germline): Uncertain significance. Review status: criteria provided, multiple submitters, no conflicts (2 of 4 stars). 2 submissions from 2 submitters: Uncertain significance (2). Last evaluated 2026-06-08.

Conditions:
Hereditary insensitivity to pain with anhidrosis (CIPA). Also called: INSENSITIVITY TO PAIN, CONGENITAL, WITH ANHIDROSIS; NTRK1 Congenital Insensitivity to Pain with Anhidrosis; hereditary sensory and autonomic neuropathy type 4; HSAN Type IV; FAMILIAL DYSAUTONOMIA, TYPE II; NEUROPATHY, CONGENITAL SENSORY, WITH ANHIDROSIS. Identifiers: Orphanet 642, MedGen C0020074, MONDO:0009746, OMIM 256800.

Submissions (2):

Myriad Genetics, Inc.
Classification: Uncertain significance for Hereditary insensitivity to pain with anhidrosis. Last evaluated: 2026-06-08. Review status: criteria provided, single submitter. Criteria: Myriad Autosomal Dominant, Autosomal Recessive and X-Linked Classification Criteria (2023). Collection method: clinical testing. Allele origin: unknown.
Comment: NM_002529.3(NTRK1):c.926C>T(P309L) is a missense variant classified as a variant of uncertain significance in the context of congenital insensitivity to pain with anhidrosis, NTRK1-related. P309L has not been observed in cases with relevant disease. Relevant functional assessments of this variant are not available in the literature. P309L has not been observed in referenced population frequency databases. In summary, there is insufficient evidence to classify NM_002529.3(NTRK1):c.926C>T(P309L) as pathogenic or benign. Please note: this variant was assessed in the context of healthy population screening.

Labcorp Genetics (formerly Invitae), Labcorp
Classification: Uncertain significance for Hereditary insensitivity to pain with anhidrosis. Last evaluated: 2021-08-30. Review status: criteria provided, single submitter. Criteria: Invitae Variant Classification Sherloc (09022015). Collection method: clinical testing. Allele origin: germline.
Comment: This sequence change replaces proline with leucine at codon 309 of the NTRK1 protein (p.Pro309Leu). The proline residue is highly conserved and there is a moderate physicochemical difference between proline and leucine. This variant is not present in population databases (ExAC no frequency). This variant has not been reported in the literature in individuals affected with NTRK1-related conditions. Algorithms developed to predict the effect of missense changes on protein structure and function (SIFT, PolyPhen-2, Align-GVGD) all suggest that this variant is likely to be disruptive. In summary, the available evidence is currently insufficient to determine the role of this variant in disease. Therefore, it has been classified as a Variant of Uncertain Significance.